The following is an entry in ClinVar:

NM_001386140.1(MTTP):c.1255del (p.Ile419fs)

Gene: MTTP (microsomal triglyceride transfer protein; plus strand). Cytogenetic location: 4q23.
Variant type: Deletion.
Coding change: c.1255del on transcript NM_001386140.1 (MANE Select); coding-DNA position 1255, one base deleted (A; older notation c.1255delA).
Protein change: p.Ile419fs; shifts the reading frame from isoleucine 419.
Molecular consequence: frameshift variant.
Genome position (GRCh38, 1-based): chr4:99,601,625, A deleted. VCF-style (leftmost placement, unchanged base first): chr4-99601624-TA-T. GRCh37 (hg19) VCF-style: chr4-100522781-TA-T.
Other names: c.1255del, p.Ile419fs (NM_000253.4); c.1006del, p.Ile336fs (NM_001300785.2); short protein forms I336fs, I419fs.
Identifiers: ClinVar variation 5015989 (VCV005015989.1).

ClinVar aggregate classification (germline): Pathogenic (1 of 4 stars; one submission).

Conditions:
Abetalipoproteinaemia (ABL). Also called: MTP DEFICIENCY; Abetalipoproteinemia; Abetalipoproteinemia neuropathy; Apolipoprotein B deficiency; Congenital betalipoprotein deficiency syndrome. Identifiers: Orphanet 14, MedGen C0000744, MONDO:0008692, OMIM 200100, HP:0008181.

Submission:

Myriad Genetics, Inc.
Classification: Pathogenic for Abetalipoproteinaemia. Last evaluated: 2026-06-04. Review status: criteria provided, single submitter. Criteria: Myriad Autosomal Dominant, Autosomal Recessive and X-Linked Classification Criteria (2023). Collection method: clinical testing. Allele origin: unknown.
Comment: NM_000253.2(MTTP):c.1255delA(I419Lfs*11) is expected to be pathogenic in the context of abetalipoproteinemia. This variant is predicted to lead to an abnormal or absent protein product due to the creation of a premature termination codon in MTTP, a gene where loss-of-function variants are known to be pathogenic. Please note: this variant was assessed in the context of healthy population screening.